The following is an entry in ClinVar:

ClinVar aggregate classification (germline): Uncertain significance (1 of 4 stars; one submission).

Allele frequency attached by ClinVar (database versions not stated): ExAC 0.00001; gnomAD exomes 0.00001.
gnomAD v4.1: 4 of 1,614,086 alleles (0.00025%); highest among the groups gnomAD compares: Non-Finnish European, 0.00034%; no homozygotes.

Submission:

GeneDx
Classification: Uncertain significance. Last evaluated: 2022-11-07. Review status: criteria provided, single submitter. Criteria: GeneDx Variant Classification Process June 2021. Collection method: clinical testing. Allele origin: germline. Affected: yes.
Comment: In silico analysis supports that this missense variant does not alter protein structure/function; Has not been previously published as pathogenic or benign to our knowledge

NM_052867.4(NALCN):c.2576A>G (p.Asn859Ser)

Gene: NALCN (sodium leak channel, non-selective; minus strand). Cytogenetic location: 13q33.1.
Variant type: single nucleotide variant.
Coding change: c.2576A>G on transcript NM_052867.4 (MANE Select); coding-DNA position 2576, A replaced by G.
Protein change: p.Asn859Ser; replaces asparagine 859 with serine.
Molecular consequence: missense variant.
Genome position (GRCh38, 1-based): chr13:101,107,490, T>C on the plus strand (A>G on the coding strand, the complement: NALCN is on the minus strand). VCF-style: chr13-101107490-T-C. GRCh37 (hg19) VCF-style: chr13-101759841-T-C.
Other names: c.2663A>G, p.Asn888Ser (NM_001350748.2); c.2576A>G, p.Asn859Ser (NM_001350749.2); c.2489A>G, p.Asn830Ser (NM_001350750.2, NM_001350751.2); short protein forms N830S, N859S, N888S.
Identifiers: ClinVar variation 2501566 (VCV002501566.1), dbSNP rs748983859, ClinGen allele CA7035665.